The following is an entry in ClinVar:

NM_006662.3(SRCAP):c.43C>G (p.Leu15Val)

Gene: SRCAP (Snf2 related CREBBP activator protein; plus strand). Cytogenetic location: 16p11.2.
Variant type: single nucleotide variant.
Coding change: c.43C>G on transcript NM_006662.3 (MANE Select); coding-DNA position 43, C replaced by G.
Protein change: p.Leu15Val; replaces leucine 15 with valine.
Molecular consequence: missense variant.
Genome position (GRCh38, 1-based): chr16:30,700,867, C>G. VCF-style: chr16-30700867-C-G. GRCh37 (hg19) VCF-style: chr16-30712188-C-G.
Other names: short protein forms L15V.
Identifiers: ClinVar variation 1486146 (VCV001486146.8), dbSNP rs371783481, ClinGen allele CA8010549.

ClinVar aggregate classification (germline): Uncertain significance (1 of 4 stars; one submission).

Allele frequency attached by ClinVar (database versions not stated): gnomAD exomes below 0.00001 and 0.00001; ExAC 0.00001.
gnomAD v4.1: 1 of 1,614,184 alleles (0.000062%); highest among the groups gnomAD compares: Admixed American, 0.0017%; no homozygotes.

Submission:

Labcorp Genetics (formerly Invitae), Labcorp
Classification: Uncertain significance. Last evaluated: 2024-12-16. Review status: criteria provided, single submitter. Criteria: Invitae Variant Classification Sherloc (09022015). Collection method: clinical testing. Allele origin: germline.
Comment: This sequence change replaces leucine, which is neutral and non-polar, with valine, which is neutral and non-polar, at codon 15 of the SRCAP protein (p.Leu15Val). This variant is present in population databases (rs371783481, gnomAD 0.003%). This variant has not been reported in the literature in individuals affected with SRCAP-related conditions. ClinVar contains an entry for this variant (Variation ID: 1486146). Invitae Evidence Modeling of protein sequence and biophysical properties (such as structural, functional, and spatial information, amino acid conservation, physicochemical variation, residue mobility, and thermodynamic stability) indicates that this missense variant is not expected to disrupt SRCAP protein function with a negative predictive value of 80%. In summary, the available evidence is currently insufficient to determine the role of this variant in disease. Therefore, it has been classified as a Variant of Uncertain Significance.